The following is an entry in ClinVar:

NM_000069.3(CACNA1S):c.346G>A (p.Ala116Thr)

Gene: CACNA1S (calcium voltage-gated channel subunit alpha1 S; minus strand). Cytogenetic location: 1q32.1.
Variant type: single nucleotide variant.
Coding change: c.346G>A on transcript NM_000069.3 (MANE Select); coding-DNA position 346, G replaced by A.
Protein change: p.Ala116Thr; replaces alanine 116 with threonine.
Molecular consequence: missense variant.
Genome position (GRCh38, 1-based): chr1:201,093,934, C>T on the plus strand (G>A on the coding strand, the complement: CACNA1S is on the minus strand). VCF-style: chr1-201093934-C-T. GRCh37 (hg19) VCF-style: chr1-201063062-C-T.
Other names: short protein forms A116T.
Identifiers: ClinVar variation 3386405 (VCV003386405.2).
Genomic context (GRCh38, chr1:201,093,934, plus strand): 5'-GCTCTCACCCCAGGAAGACAATGGTGAAGTCCAGCACATTCCAGCCACTGCGCAGGTAAG[C>T]GTCCTGGTGGAATAAGAAGCCGTAGGCAATGATCTTCATGGCGGCTTCAATCGAGAAGAC-3'
Protein context (NP_000060.2, residues 106-126): IAYGFLFHQD[Ala116Thr]YLRSGWNVLD

ClinVar aggregate classification (germline): Uncertain significance. Review status: criteria provided, multiple submitters, no conflicts (2 of 4 stars). 2 submissions from 2 submitters: Uncertain significance (2). Last evaluated 2024-08-06.

Conditions:
Hypokalemic periodic paralysis, type 1. Also called: Hypokalemic Periodic Paralysis Type 1 (AD); HypoPP. Identifiers: Orphanet 681, MedGen C3714580, MONDO:0042979, OMIM 170400.
Malignant hyperthermia, susceptibility to, 5 (MHS5). Also called: CACNA1S-Related Malignant Hyperthermia Susceptibility. Identifiers: Orphanet 423, MedGen C1866077, MONDO:0011163, OMIM 601887.
Congenital myopathy 18. Also called: Myopathy, congenital, due to dihydropyridine receptor defect; DIHYDROPYRIDINE RECEPTOR CONGENITAL MYOPATHY; DHPR CONGENITAL MYOPATHY. Identifiers: MedGen C5830283, MONDO:0859514, OMIM 620246.
Thyrotoxic periodic paralysis, susceptibility to, 1 (TTPP1). Identifiers: Orphanet 79102, MedGen C2749982, MONDO:0008570, OMIM 188580.

gnomAD v4.1: 21 of 1,614,202 alleles (0.0013%); highest among the groups gnomAD compares: South Asian, 0.0088%; no homozygotes.

Submissions (2):

All of Us Research Program, National Institutes of Health
Classification: Uncertain significance for Malignant hyperthermia, susceptibility to, 5. Last evaluated: 2024-08-06. Review status: criteria provided, single submitter. Criteria: ACMG Guidelines, 2015. Collection method: clinical testing. Allele origin: germline. Inheritance: Autosomal dominant inheritance. Observed: 1 variant allele, 1 heterozygote.
Comment: This study involves interpretation of variants in research participants for the purpose of population health screening. Participant phenotype was not available at the time of variant classification. Additional details can be found in publication PMID: 35346344, PMCID: PMC8962531

Fulgent Genetics
Classification: Uncertain significance for Hypokalemic periodic paralysis, type 1; Thyrotoxic periodic paralysis, susceptibility to, 1; Malignant hyperthermia, susceptibility to, 5; Congenital myopathy 18. Last evaluated: 2024-03-27. Review status: criteria provided, single submitter. Criteria: ACMG Guidelines, 2015. Collection method: clinical testing. Allele origin: germline.